The following is an entry in ClinVar:

NM_000038.6(APC):c.823G>A (p.Gly275Ser)

Gene: APC (APC regulator of Wnt signaling pathway; plus strand). Cytogenetic location: 5q22.2.
Variant type: single nucleotide variant.
Coding change: c.823G>A on transcript NM_000038.6 (MANE Select); coding-DNA position 823, G replaced by A.
Protein change: p.Gly275Ser; replaces glycine 275 with serine.
Molecular consequence: missense variant. On other transcripts: 5 prime UTR variant (4), non-coding transcript variant (2).
Genome position (GRCh38, 1-based): chr5:112,801,372, G>A. VCF-style: chr5-112801372-G-A. GRCh37 (hg19) VCF-style: chr5-112137069-G-A.
Other names: c.823G>A, p.Gly275Ser (NM_001127510.3, NM_001354895.2, NM_001354896.2 and 12 more transcripts); c.769G>A, p.Gly257Ser (NM_001127511.3); c.853G>A, p.Gly285Ser (NM_001354897.2, NM_001354902.2, NM_001407446.1); c.748G>A, p.Gly250Ser (NM_001354898.2, NM_001354904.2, NM_001407451.1); c.739G>A, p.Gly247Ser (NM_001354899.2, NM_001407452.1, NM_001407467.1 and 1 more transcripts); c.646G>A, p.Gly216Ser (NM_001354900.2, NM_001354901.2, NM_001354905.2 and 1 more transcripts); c.-213G>A (NM_001354906.2, NM_001407470.1, NM_001407471.1 and 1 more transcripts); short protein forms G247S, G285S, G216S, G275S, G257S, G250S.
Identifiers: ClinVar variation 2587022 (VCV002587022.2), dbSNP rs2149712457, ClinGen allele CA16023126.

ClinVar aggregate classification (germline): Uncertain significance (1 of 4 stars; one submission).

Conditions:
Hereditary cancer-predisposing syndrome. Also called: Hereditary neoplastic syndrome; Tumor predisposition; Hereditary Cancer Syndrome; Neoplastic Syndromes, Hereditary. Identifiers: Orphanet 140162, MedGen C0027672, MeSH D009386, MONDO:0015356.

Allele frequency attached by ClinVar (database versions not stated): gnomAD exomes below 0.00001.
gnomAD v4.1: 1 of 1,606,484 alleles (0.000062%); highest among the groups gnomAD compares: Non-Finnish European, 0.000085%; no homozygotes.

Submission:

Ambry Genetics
Classification: Uncertain significance for Hereditary cancer-predisposing syndrome. Last evaluated: 2023-08-28. Review status: criteria provided, single submitter. Criteria: Ambry Variant Classification Scheme 2023. Collection method: clinical testing. Allele origin: germline.
Comment: The p.G275S variant (also known as c.823G>A), located in coding exon 7 of the APC gene, results from a G to A substitution at nucleotide position 823. The glycine at codon 275 is replaced by serine, an amino acid with similar properties. This amino acid position is well conserved in available vertebrate species. In addition, in silico predictors for this gene do not accurately predict pathogenicity. Since supporting evidence is limited at this time, the clinical significance of this alteration remains unclear.